The following is an entry in ClinVar:

NM_000399.5(EGR2):c.221C>T (p.Pro74Leu)

Gene: EGR2 (early growth response 2; minus strand). Cytogenetic location: 10q21.3.
Variant type: single nucleotide variant.
Coding change: c.221C>T on transcript NM_000399.5 (MANE Select); coding-DNA position 221, C replaced by T.
Protein change: p.Pro74Leu; replaces proline 74 with leucine.
Molecular consequence: missense variant.
Genome position (GRCh38, 1-based): chr10:62,814,417, G>A on the plus strand (C>T on the coding strand, the complement: EGR2 is on the minus strand). VCF-style: chr10-62814417-G-A. GRCh37 (hg19) VCF-style: chr10-64574177-G-A.
Other names: c.221C>T, p.Pro74Leu (NM_001136177.3, NM_001136178.2); c.71C>T, p.Pro24Leu (NM_001136179.3, NM_001321037.2); c.260C>T, p.Pro87Leu (NM_001410931.1); short protein forms P24L, P87L, P74L.
Identifiers: ClinVar variation 1934798 (VCV001934798.5), dbSNP rs2492302034, ClinGen allele CA377032237.

ClinVar aggregate classification (germline): Uncertain significance (1 of 4 stars; one submission).

Conditions:
Charcot-Marie-Tooth disease, type I (CMT1). Also called: Charcot-Marie-Tooth disease type 1; Charcot-Marie-Tooth, Type 1. Identifiers: Orphanet 65753, MedGen C0751036, MONDO:0019011.

Allele frequency attached by ClinVar (database versions not stated): gnomAD exomes below 0.00001.

Submission:

Labcorp Genetics (formerly Invitae), Labcorp
Classification: Uncertain significance for Charcot-Marie-Tooth disease, type I. Last evaluated: 2022-06-06. Review status: criteria provided, single submitter. Criteria: Invitae Variant Classification Sherloc (09022015). Collection method: clinical testing. Allele origin: germline.
Comment: This sequence change replaces proline, which is neutral and non-polar, with leucine, which is neutral and non-polar, at codon 74 of the EGR2 protein (p.Pro74Leu). This variant is not present in population databases (gnomAD no frequency). This variant has not been reported in the literature in individuals affected with EGR2-related conditions. Algorithms developed to predict the effect of missense changes on protein structure and function are either unavailable or do not agree on the potential impact of this missense change (SIFT: "Not Available"; PolyPhen-2: "Probably Damaging"; Align-GVGD: "Not Available"). In summary, the available evidence is currently insufficient to determine the role of this variant in disease. Therefore, it has been classified as a Variant of Uncertain Significance.